The following is an entry in ClinVar:

NM_003978.5(PSTPIP1):c.1135G>C (p.Asp379His)

Gene: PSTPIP1 (proline-serine-threonine phosphatase interacting protein 1; plus strand). Cytogenetic location: 15q24.3.
Variant type: single nucleotide variant.
Coding change: c.1135G>C on transcript NM_003978.5 (MANE Select); coding-DNA position 1135, G replaced by C.
Protein change: p.Asp379His; replaces aspartic acid 379 with histidine.
Molecular consequence: missense variant. On other transcripts: non-coding transcript variant (1).
Genome position (GRCh38, 1-based): chr15:77,037,060, G>C. VCF-style: chr15-77037060-G-C. GRCh37 (hg19) VCF-style: chr15-77329401-G-C.
Other names: c.1078G>C, p.Asp360His (NM_001321135.2); c.1108G>C, p.Asp370His (NM_001321136.2); c.1330G>C, p.Asp444His (NM_001321137.1); c.1126G>C, p.Asp376His (NM_001411086.1); short protein forms D370H, D376H, D379H, D444H, D360H.
Identifiers: ClinVar variation 3661257 (VCV003661257.2).
Genomic context (GRCh38, chr15:77,037,060, plus strand): 5'-CCTGCAGGCCCTTCCAACGTCATGCGCTTTCAATCTCTTGGCCAGAACCCAGATGAGCTG[G>C]ACCTGTCCGCGGGAGACATCCTGGAGGTGATCCTGGAAGGGGAGGATGGCTGGTGGACTG-3'
Protein context (NP_003969.2, residues 369-389): DYTAQNPDEL[Asp379His]LSAGDILEVI

ClinVar aggregate classification (germline): Uncertain significance (1 of 4 stars; one submission).

Conditions:
Pyogenic arthritis-pyoderma gangrenosum-acne syndrome (PAPA). Also called: PAPA SYNDROME; FAMILIAL RECURRENT ARTHRITIS. Identifiers: Orphanet 69126, MedGen C1858361, MONDO:0011462, OMIM 604416.

gnomAD v4.1: 1 of 1,612,246 alleles (0.000062%); highest among the groups gnomAD compares: Non-Finnish European, 0.000085%; no homozygotes.

Submission:

Labcorp Genetics (formerly Invitae), Labcorp
Classification: Uncertain significance for Pyogenic arthritis-pyoderma gangrenosum-acne syndrome. Last evaluated: 2025-01-30. Review status: criteria provided, single submitter. Criteria: Invitae Variant Classification Sherloc (09022015). Collection method: clinical testing. Allele origin: germline.
Comment: This sequence change replaces aspartic acid, which is acidic and polar, with histidine, which is basic and polar, at codon 379 of the PSTPIP1 protein (p.Asp379His). This variant is not present in population databases (gnomAD no frequency). This variant has not been reported in the literature in individuals affected with PSTPIP1-related conditions. Invitae Evidence Modeling of protein sequence and biophysical properties (such as structural, functional, and spatial information, amino acid conservation, physicochemical variation, residue mobility, and thermodynamic stability) indicates that this missense variant is not expected to disrupt PSTPIP1 protein function with a negative predictive value of 80%. In summary, the available evidence is currently insufficient to determine the role of this variant in disease. Therefore, it has been classified as a Variant of Uncertain Significance.